The following is an entry in ClinVar:

ClinVar aggregate classification (germline): Uncertain significance (1 of 4 stars; one submission).

Conditions:
Hereditary cancer-predisposing syndrome. Also called: Neoplastic Syndromes, Hereditary; Tumor predisposition; Hereditary neoplastic syndrome; Hereditary Cancer Syndrome. Identifiers: Orphanet 140162, MedGen C0027672, MeSH D009386, MONDO:0015356.
Cardiovascular phenotype. Identifiers: MedGen CN230736.

Submission:

Ambry Genetics
Classification: Uncertain significance for Cardiovascular phenotype; Hereditary cancer-predisposing syndrome. Last evaluated: 2019-05-10. Review status: criteria provided, single submitter. Criteria: Ambry Variant Classification Scheme 2023. Collection method: clinical testing. Allele origin: germline.
Comment: The p.V1231F variant (also known as c.3691G>T), located in coding exon 27 of the NF1 gene, results from a G to T substitution at nucleotide position 3691. The valine at codon 1231 is replaced by phenylalanine, an amino acid with highly similar properties. This amino acid position is highly conserved in available vertebrate species. In addition, this alteration is predicted to be deleterious by in silico analysis. Since supporting evidence is limited at this time, the clinical significance of this alteration remains unclear.

NM_001042492.3(NF1):c.3691G>T (p.Val1231Phe)

Gene: NF1 (neurofibromin 1; plus strand). Cytogenetic location: 17q11.2.
Variant type: single nucleotide variant.
Coding change: c.3691G>T on transcript NM_001042492.3 (MANE Select); coding-DNA position 3691, G replaced by T.
Protein change: p.Val1231Phe; replaces valine 1231 with phenylalanine.
Molecular consequence: missense variant.
Genome position (GRCh38, 1-based): chr17:31,233,196, G>T. VCF-style: chr17-31233196-G-T. GRCh37 (hg19) VCF-style: chr17-29560214-G-T.
Other names: c.3691G>T, p.Val1231Phe (NM_000267.4); short protein forms V1231F.
Identifiers: ClinVar variation 824078 (VCV000824078.4), dbSNP rs1597720248, ClinGen allele CA398990678.
Genomic context (GRCh38, chr17:31,233,196, plus strand): 5'-CTGGTCACAATGATGGGTGATCAAGGAGAACTCCCTATAGCGATGGCTCTGGCCAATGTG[G>T]TTCCTTGTTCTCAGTGGGTAAGTGATTAGAGTAAGCGGGGAAGAAAAGTGCCTGGCACAT-3'
Protein context (NP_001035957.1, residues 1221-1241): LPIAMALANV[Val1231Phe]PCSQWDELAR